The following is an entry in ClinVar:

ClinVar aggregate classification (germline): Conflicting classifications of pathogenicity. Review status: criteria provided, conflicting classifications (1 of 4 stars). 6 submissions from 6 submitters: Uncertain significance (1); Likely benign (5). Last evaluated 2026-06-01.

Conditions:
DNAH11-related disorder. Also called: DNAH11-related condition.
Primary ciliary dyskinesia. Also called: Ciliary dyskinesia. Identifiers: Orphanet 244, MedGen C0008780, MONDO:0016575, HP:0012265.

Allele frequency attached by ClinVar (database versions not stated): TOPMed 0.00023; ESP Exome Variant Server 0.00041; 1000 Genomes Project 30x 0.00062; 1000 Genomes Project 0.00080.
gnomAD v4.1: 549 of 1,613,884 alleles (0.034%); highest among the groups gnomAD compares: Middle Eastern, 0.63%; 2 homozygotes.

Submissions (6):

CeGaT Center for Human Genetics Tuebingen
Classification: Likely benign. Last evaluated: 2026-06-01. Review status: criteria provided, single submitter. Criteria: CeGaT Center For Human Genetics Tuebingen Variant Classification Criteria Version 2. Collection method: clinical testing. Allele origin: germline. Affected: yes. Observed: 3 variant alleles.
Comment: DNAH11: BP4, BP7

Labcorp Genetics (formerly Invitae), Labcorp
Classification: Likely benign for Primary ciliary dyskinesia. Last evaluated: 2026-01-20. Review status: criteria provided, single submitter. Criteria: Invitae Variant Classification Sherloc (09022015). Collection method: clinical testing. Allele origin: germline.

PreventionGenetics, part of Exact Sciences
Classification: Likely benign for DNAH11-related condition. Last evaluated: 2025-04-09. Review status: criteria provided, single submitter. Criteria: ACMG Guidelines, 2015. Collection method: clinical testing. Allele origin: germline.
Comment: This variant is classified as likely benign based on ACMG/AMP sequence variant interpretation guidelines (Richards et al. 2015 PMID: 25741868, with internal and published modifications).

Blueprint Genetics
Classification: Likely benign. Last evaluated: 2024-10-10. Review status: criteria provided, single submitter. Criteria: ACMG Guidelines, 2015. Collection method: clinical testing. Allele origin: germline.

Ambry Genetics
Classification: Uncertain significance for Primary ciliary dyskinesia. Last evaluated: 2015-12-26. Review status: criteria provided, single submitter. Criteria: Ambry Variant Classification Scheme 2023. Collection method: clinical testing. Allele origin: germline.
Comment: The c.13113G>A variant (also known as p.P4371P), located in coding exon 80, results from a G to A substitution at nucleotide position 13113 of the DNAH11 gene. This nucleotide substitution does not change the amino acid at codon 4371. This variant was previously reported in the SNPDatabase as rs148707462. Based on data from the 1000 Genomes Project, the A allele has an overall frequency of approximately 0.1% (2/2098) total alleles studied. The highest observed frequency was 0.59% (1/170) British alleles. Based on data from the NHLBI Exome Sequencing Project (ESP), the A allele has an overall frequency of approximately 0.04% (5/12220) total alleles studied and 0.06% (5/8296) European American alleles. This nucleotide position is poorly conserved in available vertebrate species. Using the BDGP and ESEfinder splice site prediction tools, this alteration is predicted to create a new alternate splice acceptor site; however, direct evidence is unavailable. Since supporting evidence is limited at this time, the clinical significance of this variant remains unclear.

Breakthrough Genomics
Classification: Likely benign. Review status: criteria provided, single submitter. Criteria: ACMG Guidelines, 2015. Collection method: not provided. Allele origin: germline. Inheritance: Autosomal recessive inheritance. Affected: yes.

NM_001277115.2(DNAH11):c.13113G>A (p.Pro4371=)

Gene: DNAH11 (dynein axonemal heavy chain 11; plus strand). Cytogenetic location: 7p15.3.
Variant type: single nucleotide variant.
Coding change: c.13113G>A on transcript NM_001277115.2 (MANE Select); coding-DNA position 13113, G replaced by A.
Protein change: p.Pro4371=; no amino-acid change (proline 4371 retained).
Molecular consequence: synonymous variant.
Genome position (GRCh38, 1-based): chr7:21,899,399, G>A. VCF-style: chr7-21899399-G-A. GRCh37 (hg19) VCF-style: chr7-21939017-G-A.
Identifiers: ClinVar variation 238897 (VCV000238897.38), dbSNP rs148707462, ClinGen allele CA4183299.